The following is an entry in ClinVar:

NM_001079.4(ZAP70):c.447G>A (p.Val149=)

Gene: ZAP70 (zeta chain of T cell receptor associated protein kinase 70; plus strand). Cytogenetic location: 2q11.2.
Variant type: single nucleotide variant.
Coding change: c.447G>A on transcript NM_001079.4 (MANE Select); coding-DNA position 447, G replaced by A.
Protein change: p.Val149=; no amino-acid change (valine 149 retained).
Molecular consequence: synonymous variant.
Genome position (GRCh38, 1-based): chr2:97,725,136, G>A. VCF-style: chr2-97725136-G-A. GRCh37 (hg19) VCF-style: chr2-98341599-G-A.
Other names: c.447G>A, p.Val149= (NM_001378594.1).
Identifiers: ClinVar variation 337628 (VCV000337628.18), dbSNP rs61735392, ClinGen allele CA1790097.
Genomic context (GRCh38, chr2:97,725,136, plus strand): 5'-GCCTCTCCTTTTCTAGGGCGAGGCCCTGGAGCAGGCCATCATCAGCCAGGCCCCGCAGGT[G>A]GAGAAGCTCATTGCTACGACGGCCCACGAGCGGATGCCCTGGTACCACAGCAGCCTGACG-3'
Protein context (NP_001070.2, residues 139-159): EQAIISQAPQ[Val149=]EKLIATTAHE

ClinVar aggregate classification (germline): Benign/Likely benign. Review status: criteria provided, multiple submitters, no conflicts (2 of 4 stars). 5 submissions from 5 submitters: Benign (4); Likely benign (1). Last evaluated 2026-02-01.

Conditions:
Combined immunodeficiency due to ZAP70 deficiency (IMD48). Also called: ZAP70 Deficiency; Immunodeficiency 48. Identifiers: Orphanet 911, MedGen C2931299, MONDO:0010023, OMIM 269840.

Allele frequency attached by ClinVar (database versions not stated): gnomAD exomes 0.00038 and 0.00087; gnomAD 0.00358 and 0.00384; 1000 Genomes Project 30x 0.00437; TOPMed 0.00398; ExAC 0.00126; 1000 Genomes Project 0.00439; ESP Exome Variant Server 0.00492.
gnomAD v4.1: 1,145 of 1,614,150 alleles (0.071%); highest among the groups gnomAD compares: African/African-American, 1.3%; 4 homozygotes.

Submissions (5):

Labcorp Genetics (formerly Invitae), Labcorp
Classification: Benign for Combined immunodeficiency due to ZAP70 deficiency. Last evaluated: 2026-02-01. Review status: criteria provided, single submitter. Criteria: Invitae Variant Classification Sherloc (09022015). Collection method: clinical testing. Allele origin: germline.

Blueprint Genetics
Classification: Likely benign. Last evaluated: 2024-10-07. Review status: criteria provided, single submitter. Criteria: ACMG Guidelines, 2015. Collection method: clinical testing. Allele origin: germline.

Women's Health and Genetics/Laboratory Corporation of America, LabCorp
Classification: Benign. Last evaluated: 2024-02-27. Review status: criteria provided, single submitter. Criteria: LabCorp Variant Classification Summary - May 2015. Collection method: clinical testing. Allele origin: germline.

Illumina Laboratory Services, Illumina
Classification: Benign for Combined immunodeficiency due to ZAP70 deficiency. Last evaluated: 2018-01-13. Review status: criteria provided, single submitter. Criteria: ICSL Variant Classification Criteria 13 December 2019. Collection method: clinical testing. Allele origin: germline.
Comment: This variant was observed in the ICSL laboratory as part of a predisposition screen in an ostensibly healthy population. It had not been previously curated by ICSL or reported in the Human Gene Mutation Database (HGMD: prior to June 1st, 2018), and was therefore a candidate for classification through an automated scoring system. Utilizing variant allele frequency, disease prevalence and penetrance estimates, and inheritance mode, an automated score was calculated to assess if this variant is too frequent to cause the disease. Based on the score and internal cut-off values, a variant classified as benign is not then subjected to further curation. The score for this variant resulted in a classification of benign for this disease.

Breakthrough Genomics
Classification: Benign. Review status: criteria provided, single submitter. Criteria: ACMG Guidelines, 2015. Collection method: not provided. Allele origin: germline. Inheritance: Autosomal recessive inheritance. Affected: yes.